The following is an entry in ClinVar:

NM_000222.3(KIT):c.2421G>T (p.Lys807Asn)

Gene: KIT (KIT proto-oncogene, receptor tyrosine kinase; plus strand). Cytogenetic location: 4q12.
Variant type: single nucleotide variant.
Coding change: c.2421G>T on transcript NM_000222.3 (MANE Select); coding-DNA position 2421, G replaced by T.
Protein change: p.Lys807Asn; replaces lysine 807 with asparagine.
Molecular consequence: missense variant.
Genome position (GRCh38, 1-based): chr4:54,733,129, G>T. VCF-style: chr4-54733129-G-T. GRCh37 (hg19) VCF-style: chr4-55599295-G-T.
Other names: c.2409G>T, p.Lys803Asn (NM_001093772.2, NM_001385292.1); c.2424G>T, p.Lys808Asn (NM_001385284.1); c.2418G>T, p.Lys806Asn (NM_001385285.1); c.2406G>T, p.Lys802Asn (NM_001385286.1); c.2412G>T, p.Lys804Asn (NM_001385288.1); c.2421G>T, p.Lys807Asn (NM_001385290.1); short protein forms K804N, K807N, K802N, K803N, K806N, K808N.
Identifiers: ClinVar variation 2561465 (VCV002561465.2), dbSNP rs2109801507, ClinGen allele CA356911707.

ClinVar aggregate classification (germline): Uncertain significance (1 of 4 stars; one submission).

Conditions:
Hereditary cancer-predisposing syndrome. Also called: Neoplastic Syndromes, Hereditary; Hereditary Cancer Syndrome; Hereditary neoplastic syndrome; Tumor predisposition. Identifiers: Orphanet 140162, MedGen C0027672, MeSH D009386, MONDO:0015356.

Submission:

Ambry Genetics
Classification: Uncertain significance for Hereditary cancer-predisposing syndrome. Last evaluated: 2023-06-12. Review status: criteria provided, single submitter. Criteria: Ambry Variant Classification Scheme 2023. Collection method: clinical testing. Allele origin: germline.
Comment: The p.K807N variant (also known as c.2421G>T), located in coding exon 17 of the KIT gene, results from a G to T substitution at nucleotide position 2421. The lysine at codon 807 is replaced by asparagine, an amino acid with similar properties. This amino acid position is conserved. In addition, this alteration is predicted to be deleterious by in silico analysis. Since supporting evidence is limited at this time, the clinical significance of this alteration remains unclear.